The following is an entry in ClinVar:

NM_000137.4(FAH):c.667G>T (p.Glu223Ter)

Gene: FAH (fumarylacetoacetate hydrolase; plus strand). Cytogenetic location: 15q25.1.
Variant type: single nucleotide variant.
Coding change: c.667G>T on transcript NM_000137.4 (MANE Select); coding-DNA position 667, G replaced by T.
Protein change: p.Glu223Ter; replaces glutamic acid 223 with a stop codon.
Molecular consequence: nonsense.
Genome position (GRCh38, 1-based): chr15:80,172,209, G>T. VCF-style: chr15-80172209-G-T. GRCh37 (hg19) VCF-style: chr15-80464551-G-T.
Other names: c.667G>T, p.Glu223Ter (NM_001374377.1, NM_001374380.1); short protein forms E223*.
Identifiers: ClinVar variation 1401386 (VCV001401386.6), dbSNP rs2142101007, ClinGen allele CA393620532.
Genomic context (GRCh38, chr15:80,172,209, plus strand): 5'-GCTTTTTTTGTAGGCCCTGGAAACAGATTGGGAGAGCCGATCCCCATTTCCAAGGCCCAT[G>T]AGCACATTTTTGGAATGGTCCTTATGAACGACTGGAGTGGTAATTACTGGAGCTCTGCTC-3'

ClinVar aggregate classification (germline): Pathogenic (1 of 4 stars; one submission).

Conditions:
Tyrosinemia type I (TYRSN1). Also called: Tyrosinemia type 1; Fumarylacetoacetase deficiency; Deficiency of fumarylacetoacetase; FAH DEFICIENCY; HEPATORENAL TYROSINEMIA. Identifiers: Orphanet 882, MedGen C0268490, MONDO:0010161, OMIM 276700. Disease mechanism: loss of function.

Submission:

Labcorp Genetics (formerly Invitae), Labcorp
Classification: Pathogenic for Tyrosinemia type I. Last evaluated: 2025-10-22. Review status: criteria provided, single submitter. Criteria: Invitae Variant Classification Sherloc (09022015). Collection method: clinical testing. Allele origin: germline.
Comment: This sequence change creates a premature translational stop signal (p.Glu223*) in the FAH gene. It is expected to result in an absent or disrupted protein product. Loss-of-function variants in FAH are known to be pathogenic (PMID: 9101289, 9633815). This variant is not present in population databases (gnomAD no frequency). This variant has not been reported in the literature in individuals affected with FAH-related conditions. ClinVar contains an entry for this variant (Variation ID: 1401386). Algorithms developed to predict the effect of sequence changes on RNA splicing suggest that this variant may disrupt the consensus splice site. For these reasons, this variant has been classified as Pathogenic.

Literature cited by the submitters: PubMed 9101289; PubMed 9633815.